The following is an entry in ClinVar:

NM_001354604.2(MITF):c.489G>A (p.Gln163=)

Gene: MITF (melanocyte inducing transcription factor; plus strand). Cytogenetic location: 3p13.
Variant type: single nucleotide variant.
Coding change: c.489G>A on transcript NM_001354604.2 (MANE Select); coding-DNA position 489, G replaced by A.
Protein change: p.Gln163=; no amino-acid change (glutamine 163 retained).
Molecular consequence: synonymous variant. On other transcripts: intron variant (1).
Genome position (GRCh38, 1-based): chr3:69,937,956, G>A. VCF-style: chr3-69937956-G-A. GRCh37 (hg19) VCF-style: chr3-69987107-G-A.
Other names: c.168G>A, p.Gln56= (NM_000248.4, NM_001184968.2, NM_198158.3); c.333G>A, p.Gln111= (NM_001184967.2, NM_001354608.2); c.486G>A, p.Gln162= (NM_001354605.2, NM_001354606.2, NM_006722.3); c.438G>A, p.Gln146= (NM_001354607.2); c.489G>A, p.Gln163= (NM_198159.3); c.441G>A, p.Gln147= (NM_198177.3); c.93+75G>A (NM_198178.3).
Identifiers: ClinVar variation 3360406 (VCV003360406.2).

ClinVar aggregate classification (germline): Conflicting classifications of pathogenicity. Review status: criteria provided, conflicting classifications (1 of 4 stars). 2 submissions from 2 submitters: Uncertain significance (1); Likely benign (1). Last evaluated 2025-10-26.

Conditions:
Waardenburg syndrome type 2A (WS2A). Also called: WAARDENBURG SYNDROME WITHOUT DYSTOPIA CANTHORUM. Identifiers: Orphanet 3440, MedGen C1860339, MONDO:0008671, OMIM 193510.
Tietz syndrome (TADS). Also called: ALBINISM-DEAFNESS OF TIETZ; HYPOPIGMENTATION/DEAFNESS OF TIETZ; TIETZ ALBINISM-DEAFNESS SYNDROME. Identifiers: Orphanet 42665, MedGen C0391816, MONDO:0007077, OMIM 103500.
Melanoma, cutaneous malignant, susceptibility to, 8. Also called: Cutaneous malignant melanoma 8; MELANOMA AND RENAL CELL CARCINOMA, SUSCEPTIBILITY TO. Identifiers: Orphanet 293822, MedGen C3152204, MONDO:0013759, OMIM 614456.

Submissions (2):

Labcorp Genetics (formerly Invitae), Labcorp
Classification: Likely benign for Melanoma, cutaneous malignant, susceptibility to, 8; Waardenburg syndrome type 2A; Tietz syndrome. Last evaluated: 2025-10-26. Review status: criteria provided, single submitter. Criteria: Invitae Variant Classification Sherloc (09022015). Collection method: clinical testing. Allele origin: germline.

GeneDx
Classification: Uncertain significance. Last evaluated: 2023-07-03. Review status: criteria provided, single submitter. Criteria: GeneDx Variant Classification Process June 2021. Collection method: clinical testing. Allele origin: germline. Affected: yes.
Comment: Not observed at significant frequency in large population cohorts (gnomAD); In silico analysis supports that this variant does not alter splicing; Has not been previously published as pathogenic or benign to our knowledge